The following is an entry in ClinVar:

ClinVar aggregate classification (germline): Uncertain significance. Review status: criteria provided, multiple submitters, no conflicts (2 of 4 stars). 2 submissions from 2 submitters: Uncertain significance (2). Last evaluated 2025-09-25.

Conditions:
Inborn genetic diseases. Identifiers: MedGen C0950123, MeSH D030342.

Submissions (2):

Ambry Genetics
Classification: Uncertain significance for Inborn genetic diseases. Last evaluated: 2025-09-25. Review status: criteria provided, single submitter. Criteria: Ambry Variant Classification Scheme 2023. Collection method: clinical testing. Allele origin: germline.

GeneDx
Classification: Uncertain significance. Last evaluated: 2023-12-22. Review status: criteria provided, single submitter. Criteria: GeneDx Variant Classification Process June 2021. Collection method: clinical testing. Allele origin: germline. Affected: yes.
Comment: In silico analysis supports that this missense variant does not alter protein structure/function; Has not been previously published as pathogenic or benign to our knowledge

NM_001368809.2(AMPD2):c.488G>A (p.Arg163Gln)

Gene: AMPD2 (adenosine monophosphate deaminase 2; plus strand). Cytogenetic location: 1p13.3.
Variant type: single nucleotide variant.
Coding change: c.488G>A on transcript NM_001368809.2 (MANE Select); coding-DNA position 488, G replaced by A.
Protein change: p.Arg163Gln; replaces arginine 163 with glutamine.
Molecular consequence: missense variant.
Genome position (GRCh38, 1-based): chr1:109,626,384, G>A. VCF-style: chr1-109626384-G-A. GRCh37 (hg19) VCF-style: chr1-110169006-G-A.
Other names: c.296G>A, p.Arg99Gln (NM_001257361.2); c.425G>A, p.Arg142Gln (NM_001308170.1); c.488G>A, p.Arg163Gln (NM_004037.9); c.407G>A, p.Arg136Gln (NM_139156.4); c.650G>A (NM_004037.6); short protein forms R136Q, R142Q, R163Q, R99Q.
Identifiers: ClinVar variation 3370052 (VCV003370052.2).